The following is an entry in ClinVar:

NM_000384.3(APOB):c.6072T>G (p.Ile2024Met)

Gene: APOB (apolipoprotein B; minus strand). Cytogenetic location: 2p24.1.
Variant type: single nucleotide variant.
Coding change: c.6072T>G on transcript NM_000384.3 (MANE Select); coding-DNA position 6072, T replaced by G.
Protein change: p.Ile2024Met; replaces isoleucine 2024 with methionine.
Molecular consequence: missense variant.
Genome position (GRCh38, 1-based): chr2:21,010,796, A>C on the plus strand (T>G on the coding strand, the complement: APOB is on the minus strand). VCF-style: chr2-21010796-A-C. GRCh37 (hg19) VCF-style: chr2-21233668-A-C.
Other names: short protein forms I2024M.
Identifiers: ClinVar variation 3231433 (VCV003231433.2), dbSNP rs763407931, ClinGen allele CA062838.
Genomic context (GRCh38, chr2:21,010,796, plus strand): 5'-ATCTCTCATCTCTAAAGCATCAATGATATTGATGGGCTCACTGAGTAAAAGTGGCACTTT[A>C]ATTGGGGAGTCTAGTAGAGTTAGGTCAGCCAGAGTTCGTCCAGTAAGCTCCACGCCAATT-3'
Protein context (NP_000375.3, residues 2014-2034): LADLTLLDSP[Ile2024Met]KVPLLLSEPI

ClinVar aggregate classification (germline): Conflicting classifications of pathogenicity. Review status: criteria provided, conflicting classifications (1 of 4 stars). 2 submissions from 2 submitters: Uncertain significance (1); Likely benign (1). Last evaluated 2025-09-08.

Conditions:
Cardiovascular phenotype. Identifiers: MedGen CN230736.
Hypercholesterolemia, autosomal dominant, type B (FHCL2). Also called: Familial Hypercholesterolemia Type B; APOLIPOPROTEIN B-100, FAMILIAL DEFECTIVE; APOLIPOPROTEIN B-100, FAMILIAL LIGAND-DEFECTIVE; HYPERCHOLESTEROLEMIA, FAMILIAL, DUE TO LIGAND-DEFECTIVE APOLIPOPROTEIN B; Familial hypercholesterolemia 2; APOB-Related Familial Hypercholesterolemia, Autosomal Dominant. Identifiers: MedGen C1704417, MONDO:0007751, OMIM 144010.
Familial hypobetalipoproteinemia 1. Also called: APOB-Related Familial Hypobetalipoproteinemia; Hypobetalipoproteinemia, normotriglyceridemic; Acanthocytosis with hypobetalipoproteinemia. Identifiers: MedGen C4551990, MONDO:0014252, OMIM 615558.

Allele frequency attached by ClinVar (database versions not stated): TOPMed below 0.00001; gnomAD exomes 0.00001; ExAC 0.00002.
gnomAD v4.1: 6 of 1,614,136 alleles (0.00037%); highest among the groups gnomAD compares: Admixed American, 0.01%; no homozygotes.

Submissions (2):

Labcorp Genetics (formerly Invitae), Labcorp
Classification: Likely benign for Familial hypobetalipoproteinemia 1; Hypercholesterolemia, autosomal dominant, type B. Last evaluated: 2025-09-08. Review status: criteria provided, single submitter. Criteria: Invitae Variant Classification Sherloc (09022015). Collection method: clinical testing. Allele origin: germline.

Ambry Genetics
Classification: Uncertain significance for Cardiovascular phenotype. Last evaluated: 2023-11-30. Review status: criteria provided, single submitter. Criteria: Ambry Variant Classification Scheme 2023. Collection method: clinical testing. Allele origin: germline.
Comment: The p.I2024M variant (also known as c.6072T>G), located in coding exon 26 of the APOB gene, results from a T to G substitution at nucleotide position 6072. The isoleucine at codon 2024 is replaced by methionine, an amino acid with highly similar properties. This amino acid position is conserved. In addition, this alteration is predicted to be tolerated by in silico analysis. Since supporting evidence is limited at this time, the clinical significance of this alteration remains unclear.